The following is an entry in ClinVar:

NM_000718.4(CACNA1B):c.2759G>A (p.Arg920Gln)

Gene: CACNA1B (calcium voltage-gated channel subunit alpha1 B; plus strand). Cytogenetic location: 9q34.3.
Variant type: single nucleotide variant.
Coding change: c.2759G>A on transcript NM_000718.4 (MANE Select); coding-DNA position 2759, G replaced by A.
Protein change: p.Arg920Gln; replaces arginine 920 with glutamine.
Molecular consequence: missense variant.
Genome position (GRCh38, 1-based): chr9:138,023,502, G>A. VCF-style: chr9-138023502-G-A. GRCh37 (hg19) VCF-style: chr9-140917954-G-A.
Other names: c.2759G>A, p.Arg920Gln (NM_001243812.2); short protein forms R920Q.
Identifiers: ClinVar variation 2416830 (VCV002416830.4), dbSNP rs752596520, ClinGen allele CA5376497.

ClinVar aggregate classification (germline): Uncertain significance (1 of 4 stars; one submission).

Allele frequency attached by ClinVar (database versions not stated): TOPMed 0.00001; gnomAD 0.00003; 1000 Genomes Project 30x 0.00016; ExAC 0.11111.
gnomAD v4.1: 27 of 1,076,468 alleles (0.0025%); highest among the groups gnomAD compares: South Asian, 0.087%; no homozygotes.

Submission:

Labcorp Genetics (formerly Invitae), Labcorp
Classification: Uncertain significance. Last evaluated: 2024-11-11. Review status: criteria provided, single submitter. Criteria: Invitae Variant Classification Sherloc (09022015). Collection method: clinical testing. Allele origin: germline.
Comment: This sequence change replaces arginine, which is basic and polar, with glutamine, which is neutral and polar, at codon 920 of the CACNA1B protein (p.Arg920Gln). The frequency data for this variant in the population databases is considered unreliable, as metrics indicate poor data quality at this position in the gnomAD database. This variant has not been reported in the literature in individuals affected with CACNA1B-related conditions. ClinVar contains an entry for this variant (Variation ID: 2416830). Invitae Evidence Modeling of protein sequence and biophysical properties (such as structural, functional, and spatial information, amino acid conservation, physicochemical variation, residue mobility, and thermodynamic stability) indicates that this missense variant is not expected to disrupt CACNA1B protein function with a negative predictive value of 80%. In summary, the available evidence is currently insufficient to determine the role of this variant in disease. Therefore, it has been classified as a Variant of Uncertain Significance.